The following is an entry in ClinVar:

NM_201253.3(CRB1):c.677A>C (p.Asp226Ala)

Gene: CRB1 (crumbs cell polarity complex component 1; plus strand). Cytogenetic location: 1q31.3.
Variant type: single nucleotide variant.
Coding change: c.677A>C on transcript NM_201253.3 (MANE Select); coding-DNA position 677, A replaced by C.
Protein change: p.Asp226Ala; replaces aspartic acid 226 with alanine.
Molecular consequence: missense variant. On other transcripts: non-coding transcript variant (2), intron variant (1).
Genome position (GRCh38, 1-based): chr1:197,344,305, A>C. VCF-style: chr1-197344305-A-C. GRCh37 (hg19) VCF-style: chr1-197313435-A-C.
Other names: c.470A>C, p.Asp157Ala (NM_001257965.2); c.677A>C, p.Asp226Ala (NM_001257966.2); c.653-12526A>C (NM_001193640.2); short protein forms D157A, D226A.
Identifiers: ClinVar variation 2038259 (VCV002038259.2), dbSNP rs779293247, ClinGen allele CA344083141.

ClinVar aggregate classification (germline): Uncertain significance. Review status: criteria provided, multiple submitters, no conflicts (2 of 4 stars). 2 submissions from 2 submitters: Uncertain significance (2). Last evaluated 2024-07-02.

Conditions:
Retinitis pigmentosa 12 (RP12). Also called: RP WITH OR WITHOUT PPRPE; RP WITH OR WITHOUT PRESERVED PARAARTERIOLE RETINAL PIGMENT EPITHELIUM; RETINITIS PIGMENTOSA WITH OR WITHOUT PARAARTERIOLAR PRESERVATION OF RETINAL PIGMENT EPITHELIUM. Identifiers: Orphanet 791, MedGen C1838647, MONDO:0010818, OMIM 600105.
Leber congenital amaurosis 8 (LCA8). Identifiers: Orphanet 65, MedGen C3151202, MONDO:0013453, OMIM 613835.

Allele frequency attached by ClinVar (database versions not stated): TOPMed 0.00002.
gnomAD v4.1: 1 of 1,614,158 alleles (0.000062%); highest among the groups gnomAD compares: Non-Finnish European, 0.000085%; no homozygotes.

Submissions (2):

Blueprint Genetics
Classification: Uncertain significance. Last evaluated: 2024-07-02. Review status: criteria provided, single submitter. Criteria: ACMG Guidelines, 2015. Collection method: clinical testing. Allele origin: germline.

Labcorp Genetics (formerly Invitae), Labcorp
Classification: Uncertain significance for Leber congenital amaurosis 8; Retinitis pigmentosa 12. Last evaluated: 2021-08-30. Review status: criteria provided, single submitter. Criteria: Invitae Variant Classification Sherloc (09022015). Collection method: clinical testing. Allele origin: germline.
Comment: This sequence change replaces aspartic acid with alanine at codon 226 of the CRB1 protein (p.Asp226Ala). The aspartic acid residue is highly conserved and there is a moderate physicochemical difference between aspartic acid and alanine. This variant is not present in population databases (ExAC no frequency). This variant has not been reported in the literature in individuals affected with CRB1-related conditions. Advanced modeling of protein sequence and biophysical properties (such as structural, functional, and spatial information, amino acid conservation, physicochemical variation, residue mobility, and thermodynamic stability) performed at Invitae indicates that this missense variant is expected to disrupt CRB1 protein function. In summary, the available evidence is currently insufficient to determine the role of this variant in disease. Therefore, it has been classified as a Variant of Uncertain Significance.